The following is an entry in ClinVar:

NM_000238.4(KCNH2):c.3216G>A (p.Thr1072=)

Gene: KCNH2 (potassium voltage-gated channel subfamily H member 2; minus strand). Cytogenetic location: 7q36.1.
Variant type: single nucleotide variant.
Coding change: c.3216G>A on transcript NM_000238.4 (MANE Select); coding-DNA position 3216, G replaced by A.
Protein change: p.Thr1072=; no amino-acid change (threonine 1072 retained).
Molecular consequence: synonymous variant.
Genome position (GRCh38, 1-based): chr7:150,946,991, C>T on the plus strand (G>A on the coding strand, the complement: KCNH2 is on the minus strand). VCF-style: chr7-150946991-C-T. GRCh37 (hg19) VCF-style: chr7-150644079-C-T.
Other names: c.2196G>A, p.Thr732= (NM_172057.3).
Identifiers: ClinVar variation 237300 (VCV000237300.21), dbSNP rs200182770, ClinGen allele CA037927.

ClinVar aggregate classification (germline): Benign/Likely benign. Review status: criteria provided, multiple submitters, no conflicts (2 of 4 stars). 5 submissions from 5 submitters: Benign (3); Likely benign (1). 1 of the submissions does not count toward it. Last evaluated 2026-01-26.

Conditions:
Cardiovascular phenotype. Identifiers: MedGen CN230736.
Cardiac arrhythmia. Also called: Arrhythmia; Cardiac rhythm disease. Identifiers: MedGen C0003811, MONDO:0007263, HP:0011675.
Long QT syndrome (LQTS). Identifiers: MedGen C0023976, MeSH D008133, MONDO:0002442. Disease mechanism: loss of function. Inheritance: Various modes of inheritance.
KCNH2-related disorder. Also called: KCNH2-related condition; KCNH2-related disorders.

Allele frequency attached by ClinVar (database versions not stated): gnomAD 0.00006; TOPMed 0.00006; 1000 Genomes Project 30x 0.00016; 1000 Genomes Project 0.00020; gnomAD exomes 0.00024; ExAC 0.00026.
gnomAD v4.1: 61 of 1,610,690 alleles (0.0038%); highest among the groups gnomAD compares: East Asian, 0.11%; no homozygotes.

Submissions (5):

Labcorp Genetics (formerly Invitae), Labcorp
Classification: Benign for Long QT syndrome. Last evaluated: 2026-01-26. Review status: criteria provided, single submitter. Criteria: Invitae Variant Classification Sherloc (09022015). Collection method: clinical testing. Allele origin: germline.

Blueprint Genetics
Classification: Likely benign. Last evaluated: 2022-11-18. Review status: criteria provided, single submitter. Criteria: ACMG Guidelines, 2015. Collection method: clinical testing. Allele origin: germline.

Ambry Genetics
Classification: Benign for Cardiovascular phenotype. Last evaluated: 2022-02-10. Review status: criteria provided, single submitter. Criteria: Ambry Variant Classification Scheme 2023. Collection method: clinical testing. Allele origin: germline.

Color Diagnostics, LLC DBA Color Health
Classification: Benign for Arrhythmia. Last evaluated: 2018-11-27. Review status: criteria provided, single submitter. Criteria: ACMG Guidelines, 2015. Collection method: clinical testing. Allele origin: germline.

PreventionGenetics, part of Exact Sciences
Classification: Likely benign for KCNH2-related condition. Last evaluated: 2019-05-28. Review status: no assertion criteria provided. Collection method: clinical testing. Allele origin: germline. Not counted in ClinVar's aggregate classification.
Comment: This variant is classified as likely benign based on ACMG/AMP sequence variant interpretation guidelines (Richards et al. 2015 PMID: 25741868, with internal and published modifications).

Literature cited by the submitters: PubMed 23890619 (cited by Ambry Genetics).